The following is an entry in ClinVar:

ClinVar aggregate classification (germline): Uncertain significance (1 of 4 stars; one submission).

Conditions:
Diffuse cerebral and cerebellar atrophy - intractable seizures - progressive microcephaly syndrome. Also called: Microcephaly, progressive, with seizures and cerebral and cerebellar atrophy. Identifiers: Orphanet 404437, MedGen C4014239, MONDO:0014335, OMIM 615760.

Allele frequency attached by ClinVar (database versions not stated): gnomAD exomes below 0.00001; TOPMed below 0.00001; gnomAD 0.00001.
gnomAD v4.1: 8 of 1,614,038 alleles (0.0005%); highest among the groups gnomAD compares: Non-Finnish European, 0.00059%; no homozygotes.

Submission:

Labcorp Genetics (formerly Invitae), Labcorp
Classification: Uncertain significance for Diffuse cerebral and cerebellar atrophy - intractable seizures - progressive microcephaly syndrome. Last evaluated: 2022-02-05. Review status: criteria provided, single submitter. Criteria: Invitae Variant Classification Sherloc (09022015). Collection method: clinical testing. Allele origin: germline.
Comment: In summary, the available evidence is currently insufficient to determine the role of this variant in disease. Therefore, it has been classified as a Variant of Uncertain Significance. This sequence change affects a donor splice site in intron 23 of the QARS gene. While this variant is not anticipated to result in nonsense mediated decay, it likely alters RNA splicing and results in a disrupted protein product. This variant is present in population databases (no rsID available, gnomAD 0.0009%). This variant has not been reported in the literature in individuals affected with QARS-related conditions. Variants that disrupt the consensus splice site are a relatively common cause of aberrant splicing (PMID: 17576681, 9536098). Algorithms developed to predict the effect of sequence changes on RNA splicing suggest that this variant may disrupt the consensus splice site.

Literature cited by the submitters: PubMed 17576681; PubMed 9536098.

NM_005051.3(QARS1):c.2277+1G>C

Gene: QARS1 (glutaminyl-tRNA synthetase 1; minus strand). Cytogenetic location: 3p21.31.
Variant type: single nucleotide variant.
Coding change: c.2277+1G>C on transcript NM_005051.3 (MANE Select); the canonical splice donor site of the intron after coding-DNA position 2277, G replaced by C.
Molecular consequence: splice donor variant.
Genome position (GRCh38, 1-based): chr3:49,097,991, C>G on the plus strand (G>C on the coding strand, the complement: QARS1 is on the minus strand). VCF-style: chr3-49097991-C-G. GRCh37 (hg19) VCF-style: chr3-49135424-C-G.
Other names: c.2244+1G>C (NM_001272073.2).
Identifiers: ClinVar variation 1489895 (VCV001489895.8), dbSNP rs1193194264, ClinGen allele CA352696394.
Genomic context (GRCh38, chr3:49,097,991, plus strand): 5'-CACAATGAACGGCAGCCACTGTCACTGCTGCAGATGAGGGCAGGTGAGTAAAGTCAAGCA[C>G]CTTTCCCTGATGGCTGTCTGGATCCACGGAGAAATATCCAAGACGCTCAAACTGGAACTT-3'